The following is an entry in ClinVar:

ClinVar aggregate classification (germline): Likely pathogenic (1 of 4 stars; one submission).

Conditions:
Primary ciliary dyskinesia 3. Identifiers: Orphanet 244, MedGen C1837618, MONDO:0012085, OMIM 608644.

Submission:

Myriad Genetics, Inc.
Classification: Likely pathogenic for Primary ciliary dyskinesia 3. Last evaluated: 2022-03-09. Review status: criteria provided, single submitter. Criteria: Myriad Women's Health Autosomal Recessive and X-Linked Classification Criteria (2021). Collection method: clinical testing. Allele origin: unknown.
Comment: NM_001369.2(DNAH5):c.5593G>T(E1865*) is expected to be pathogenic in the context of DNAH5-related primary ciliary dyskinesia. This variant is predicted to lead to an abnormal or absent protein product due to the creation of a premature termination codon in DNAH5, a gene where loss-of-function variants are known to be pathogenic. Please note: this variant was assessed in the context of healthy population screening.

NM_001369.3(DNAH5):c.5593G>T (p.Glu1865Ter)

Gene: DNAH5 (dynein axonemal heavy chain 5; minus strand). Cytogenetic location: 5p15.2.
Variant type: single nucleotide variant.
Coding change: c.5593G>T on transcript NM_001369.3 (MANE Select); coding-DNA position 5593, G replaced by T.
Protein change: p.Glu1865Ter; replaces glutamic acid 1865 with a stop codon.
Molecular consequence: nonsense.
Genome position (GRCh38, 1-based): chr5:13,841,022, C>A on the plus strand (G>T on the coding strand, the complement: DNAH5 is on the minus strand). VCF-style: chr5-13841022-C-A. GRCh37 (hg19) VCF-style: chr5-13841131-C-A.
Other names: short protein forms E1865*.
Identifiers: ClinVar variation 1725137 (VCV001725137.2), dbSNP rs2546908288, ClinGen allele CA359209586.